The following is an entry in ClinVar:

NM_000217.3(KCNA1):c.*3724C>T

Gene: KCNA1 (potassium voltage-gated channel subfamily A member 1; plus strand). Cytogenetic location: 12p13.32.
Variant type: single nucleotide variant.
Coding change: c.*3724C>T on transcript NM_000217.3 (MANE Select); 3724 bases downstream of the stop codon, C replaced by T.
Molecular consequence: 3 prime UTR variant.
Genome position (GRCh38, 1-based): chr12:4,916,590, C>T. VCF-style: chr12-4916590-C-T. GRCh37 (hg19) VCF-style: chr12-5025756-C-T.
Identifiers: ClinVar variation 309205 (VCV000309205.8), dbSNP rs73050554, ClinGen allele CA10641604.

ClinVar aggregate classification (germline): Benign/Likely benign. Review status: criteria provided, multiple submitters, no conflicts (2 of 4 stars). 3 submissions from 3 submitters: Benign (1); Likely benign (2). Last evaluated 2021-05-22.

Conditions:
Episodic ataxia type 1 (EA1). Also called: ATAXIA, EPISODIC, WITH MYOKYMIA; MYOKYMIA WITH PERIODIC ATAXIA; PAROXYSMAL ATAXIA WITH NEUROMYOTONIA, HEREDITARY; Episodic ataxia/myokymia syndrome. Identifiers: Orphanet 37612, Orphanet 972, MedGen C1719788, MONDO:0008047, OMIM 160120.

Allele frequency attached by ClinVar (database versions not stated): gnomAD exomes 0.00176; 1000 Genomes Project 30x 0.00734; 1000 Genomes Project 0.00739; gnomAD 0.01269 and 0.01288; TOPMed 0.01351.

Submissions (3):

GeneDx
Classification: Likely benign. Last evaluated: 2021-05-22. Review status: criteria provided, single submitter. Criteria: GeneDx Variant Classification Process June 2021. Collection method: clinical testing. Allele origin: germline. Affected: yes.

Illumina Laboratory Services, Illumina
Classification: Benign for Episodic ataxia type 1. Last evaluated: 2018-01-13. Review status: criteria provided, single submitter. Criteria: ICSL Variant Classification Criteria 13 December 2019. Collection method: clinical testing. Allele origin: germline.
Comment: This variant was observed in the ICSL laboratory as part of a predisposition screen in an ostensibly healthy population. It had not been previously curated by ICSL or reported in the Human Gene Mutation Database (HGMD: prior to June 1st, 2018), and was therefore a candidate for classification through an automated scoring system. Utilizing variant allele frequency, disease prevalence and penetrance estimates, and inheritance mode, an automated score was calculated to assess if this variant is too frequent to cause the disease. Based on the score and internal cut-off values, a variant classified as benign is not then subjected to further curation. The score for this variant resulted in a classification of benign for this disease.

Breakthrough Genomics
Classification: Likely benign. Review status: criteria provided, single submitter. Criteria: ACMG Guidelines, 2015. Collection method: not provided. Allele origin: germline. Inheritance: Autosomal dominant inheritance. Affected: yes.